The following is an entry in ClinVar:

ClinVar aggregate classification (germline): Uncertain significance (1 of 4 stars; one submission).

Conditions:
Gorlin syndrome. Also called: Nevoid Basal Cell Carcinoma Syndrome; Basal cell nevus syndrome. Identifiers: Orphanet 377, MedGen C0004779, MONDO:0007187.
Medulloblastoma (MDB). Also called: MEDULLOBLASTOMA PREDISPOSITION SYNDROME; Medulloblastoma, somatic. Identifiers: Orphanet 616, MedGen C0025149, MeSH D008527, MONDO:0007959, OMIM 155255, HP:0002885.

Submission:

Labcorp Genetics (formerly Invitae), Labcorp
Classification: Uncertain significance for Gorlin syndrome; Medulloblastoma. Last evaluated: 2025-04-13. Review status: criteria provided, single submitter. Criteria: Invitae Variant Classification Sherloc (09022015). Collection method: clinical testing. Allele origin: germline.
Comment: This sequence change replaces lysine, which is basic and polar, with glutamine, which is neutral and polar, at codon 303 of the SUFU protein (p.Lys303Gln). This variant is not present in population databases (gnomAD no frequency). This variant has not been reported in the literature in individuals affected with SUFU-related conditions. Invitae Evidence Modeling of protein sequence and biophysical properties (such as structural, functional, and spatial information, amino acid conservation, physicochemical variation, residue mobility, and thermodynamic stability) indicates that this missense variant is not expected to disrupt SUFU protein function with a negative predictive value of 80%. In summary, the available evidence is currently insufficient to determine the role of this variant in disease. Therefore, it has been classified as a Variant of Uncertain Significance.

NM_016169.4(SUFU):c.907A>C (p.Lys303Gln)

Gene: SUFU (SUFU negative regulator of hedgehog signaling; plus strand). Cytogenetic location: 10q24.32.
Variant type: single nucleotide variant.
Coding change: c.907A>C on transcript NM_016169.4 (MANE Select); coding-DNA position 907, A replaced by C.
Protein change: p.Lys303Gln; replaces lysine 303 with glutamine.
Molecular consequence: missense variant.
Genome position (GRCh38, 1-based): chr10:102,597,290, A>C. VCF-style: chr10-102597290-A-C. GRCh37 (hg19) VCF-style: chr10-104357047-A-C.
Other names: c.907A>C, p.Lys303Gln (NM_001178133.2); short protein forms K303Q.
Identifiers: ClinVar variation 4783163 (VCV004783163.1).